The following is an entry in ClinVar:

ClinVar aggregate classification (germline): Pathogenic (1 of 4 stars; one submission).

Conditions:
Cerebral palsy. Identifiers: MedGen C0007789, MONDO:0006497, HP:0100021.

Submission:

Neurogenetics Research Program, University of Adelaide
Classification: Pathogenic for Cerebral palsy. Last evaluated: 2021-06-10. Review status: criteria provided, single submitter. Criteria: ACMG Guidelines, 2015. Collection method: research. Allele origin: paternal, maternal. Affected: yes. Observed: 2 compound heterozygotes. Clinical features observed: Spastic diplegia (HP:0001264), Decreased mean corpuscular volume (HP:0025066), Delayed gross motor development (HP:0002194), Anemia (HP:0001903), Delayed myelination (HP:0012448).
Comment: Deletion of amino acids 367-415 at the C-terminal end of the AAA domain of SPAST.

NM_014946.4(SPAST):c.1099-4371_1245+1010del

Gene: SPAST (spastin; plus strand). Cytogenetic location: 2p22.3.
Variant type: Deletion.
Coding change: c.1099-4371_1245+1010del on transcript NM_014946.4 (MANE Select); 4371 bases into the intron before coding-DNA position 1099 through 1010 bases into the intron after coding-DNA position 1245, 6,913 bases deleted.
Molecular consequence: splice acceptor variant, splice donor variant.
Genome position (GRCh38, 1-based): chr2:32,122,577-32,129,489, 6,913 bases deleted. GRCh37 (hg19): chr2:32,347,646-32,354,558.
Other names: c.1003-4371_1149+1010del (NM_199436.2, NM_001377959.1); c.1096-4371_1242+1010del (NM_001363823.2); c.1000-4371_1146+1010del (NM_001363875.2).
Identifiers: ClinVar variation 1172817 (VCV001172817.1), ClinGen allele CA2573051932.